The following is an entry in ClinVar:

ClinVar aggregate classification (germline): Likely benign (1 of 4 stars; one submission).

Submission:

GeneDx
Classification: Likely benign. Last evaluated: 2020-10-23. Review status: criteria provided, single submitter. Criteria: GeneDx Variant Classification Process June 2021. Collection method: clinical testing. Allele origin: germline. Affected: yes.
Comment: See Variant Classification Assertion Criteria.

NM_003072.5(SMARCA4):c.1813-220_1813-208del

Gene: SMARCA4 (SWI/SNF related BAF chromatin remodeling complex subunit ATPase 4; plus strand). Cytogenetic location: 19p13.2.
Variant type: Deletion.
Coding change: c.1813-220_1813-208del on transcript NM_003072.5 (MANE Select); 220 bases into the intron before coding-DNA position 1813 through 208 bases into the intron before coding-DNA position 1813, 13 bases deleted (AAAAAAAAAAAAA).
Molecular consequence: intron variant.
Genome position (GRCh38, 1-based): chr19:11,002,809-11,002,821, AAAAAAAAAAAAA deleted; deleting any 13 consecutive bases within chr19:11,002,800-11,002,821 gives the same sequence; the c. name uses the placement nearest the transcript's 3' end. VCF-style (leftmost placement, unchanged base first): chr19-11002799-CAAAAAAAAAAAAA-C. GRCh37 (hg19) VCF-style: chr19-11113475-CAAAAAAAAAAAAA-C.
Other names: c.1813-220_1813-208del (NM_001128844.3, NM_001128849.3, NM_001128847.4 and 5 more transcripts).
Identifiers: ClinVar variation 1710890 (VCV001710890.2), dbSNP rs747143883, ClinGen allele CA305255915.